The following is an entry in ClinVar:

NM_014727.3(KMT2B):c.6332C>T (p.Ser2111Leu)

Gene: KMT2B (lysine methyltransferase 2B; plus strand). Cytogenetic location: 19q13.12.
Variant type: single nucleotide variant.
Coding change: c.6332C>T on transcript NM_014727.3 (MANE Select); coding-DNA position 6332, C replaced by T.
Protein change: p.Ser2111Leu; replaces serine 2111 with leucine.
Molecular consequence: missense variant.
Genome position (GRCh38, 1-based): chr19:35,732,881, C>T. VCF-style: chr19-35732881-C-T. GRCh37 (hg19) VCF-style: chr19-36223782-C-T.
Other names: c.6332C>T (NM_014727.2); short protein forms S2111L.
Identifiers: ClinVar variation 2291392 (VCV002291392.6), dbSNP rs776564345, ClinGen allele CA9385668.

ClinVar aggregate classification (germline): Conflicting classifications of pathogenicity. Review status: criteria provided, conflicting classifications (1 of 4 stars). 3 submissions from 3 submitters: Uncertain significance (2); Likely benign (1). Last evaluated 2023-09-11.

Conditions:
KMT2B-related disorder. Also called: KMT2B-related disorders; KMT2B-related condition. Identifiers: MedGen CN381338.
Inborn genetic diseases. Identifiers: MedGen C0950123, MeSH D030342.

Allele frequency attached by ClinVar (database versions not stated): gnomAD exomes 0.00001; TOPMed 0.00001; ExAC 0.00002; gnomAD 0.00002.
gnomAD v4.1: 14 of 1,610,010 alleles (0.00087%); highest among the groups gnomAD compares: South Asian, 0.0022%; no homozygotes.

Submissions (3):

Labcorp Genetics (formerly Invitae), Labcorp
Classification: Likely benign. Last evaluated: 2023-09-11. Review status: criteria provided, single submitter. Criteria: Invitae Variant Classification Sherloc (09022015). Collection method: clinical testing. Allele origin: germline.

PreventionGenetics, part of Exact Sciences
Classification: Uncertain significance for KMT2B-related condition. Last evaluated: 2023-09-05. Review status: criteria provided, single submitter. Criteria: ACMG Guidelines, 2015. Collection method: clinical testing. Allele origin: germline.
Comment: The KMT2B c.6332C>T variant is predicted to result in the amino acid substitution p.Ser2111Leu. To our knowledge, this variant has not been reported in the literature. This variant is reported in 0.0033% of alleles in individuals of South Asian descent in gnomAD. At this time, the clinical significance of this variant is uncertain due to the absence of conclusive functional and genetic evidence.

Ambry Genetics
Classification: Uncertain significance for Inborn genetic diseases. Last evaluated: 2022-05-26. Review status: criteria provided, single submitter. Criteria: Ambry Variant Classification Scheme 2023. Collection method: clinical testing. Allele origin: germline.